The following is an entry in ClinVar:

ClinVar aggregate classification (germline): Uncertain significance (1 of 4 stars; one submission).

Conditions:
Psoriasis 2. Identifiers: MedGen C1864497, MONDO:0011269, OMIM 602723.
Pityriasis rubra pilaris (PRP). Also called: Pityriasis rubra pilaris--familial type. Identifiers: Orphanet 2897, MedGen C0032027, MONDO:0100017, OMIM 173200, MONDO:0008251.

Submission:

Labcorp Genetics (formerly Invitae), Labcorp
Classification: Uncertain significance for Pityriasis rubra pilaris; Psoriasis 2. Last evaluated: 2020-12-21. Review status: criteria provided, single submitter. Criteria: Invitae Variant Classification Sherloc (09022015). Collection method: clinical testing. Allele origin: germline.
Comment: In summary, the available evidence is currently insufficient to determine the role of this variant in disease. Therefore, it has been classified as a Variant of Uncertain Significance. This variant has not been reported in the literature in individuals with CARD14-related conditions. This variant results in a copy number gain of the genomic region encompassing exon(s) 1-4 of the CARD14 gene. This region includes the initiator codon of the gene. The 5' end of this event is unknown as it extends beyond the assayed region for this gene and therefore may encompass additional genes. The 3' boundary is likely confined to intron 4 of the CARD14 gene. As the precise location of this event is unknown, it may be in tandem or it may be located elsewhere in the genome.

NC_000017.10:g.(?_78010462)_(78158057_?)dup

Genes: CCDC40 (coiled-coil domain 40 molecular ruler complex subunit; plus strand), GAA (alpha glucosidase; plus strand), EIF4A3 (eukaryotic translation initiation factor 4A3; minus strand), CARD14 (caspase recruitment domain family member 14; plus strand). Cytogenetic location: 17q25.3.
Variant type: Duplication.
Identifiers: ClinVar variation 1434129 (VCV001434129.5).